The following is an entry in ClinVar:

NM_000127.3(EXT1):c.854dup (p.His285fs)

Gene: EXT1 (exostosin glycosyltransferase 1; minus strand). Cytogenetic location: 8q24.11.
Variant type: Duplication.
Coding change: c.854dup on transcript NM_000127.3 (MANE Select); coding-DNA position 854, one base duplicated (A; older notation c.854dupA).
Protein change: p.His285fs; shifts the reading frame from histidine 285.
Molecular consequence: frameshift variant.
Genome position (GRCh38, 1-based): chr8:118,110,193, T duplicated on the plus strand (A on the coding strand, the reverse complement: EXT1 is on the minus strand). VCF-style (leftmost placement, unchanged base first): chr8-118110192-G-GT. GRCh37 (hg19) VCF-style: chr8-119122431-G-GT.
Other names: c.854dupA (NM_000127.2); short protein forms H285fs.
Identifiers: ClinVar variation 423050 (VCV000423050.7), dbSNP rs1554601476, ClinGen allele CA16618589.

ClinVar aggregate classification (germline): Pathogenic. Review status: criteria provided, multiple submitters, no conflicts (2 of 4 stars). 2 submissions from 2 submitters: Pathogenic (2). Last evaluated 2018-06-19.

Conditions:
Multiple congenital exostosis (EXT). Also called: MULTIPLE CARTILAGINOUS EXOSTOSES; Multiple exostoses; Multiple osteochondromas; Hereditary multiple osteochondromas; Hereditary multiple exostoses; Hereditary multiple exostosis. Identifiers: Orphanet 321, MedGen C0015306, MONDO:0005508, HP:0002762.

Submissions (2):

Labcorp Genetics (formerly Invitae), Labcorp
Classification: Pathogenic for Multiple congenital exostosis. Last evaluated: 2018-06-19. Review status: criteria provided, single submitter. Criteria: Invitae Variant Classification Sherloc (09022015). Collection method: clinical testing. Allele origin: germline.
Comment: For these reasons, this variant has been classified as Pathogenic. Loss-of-function variants in EXT1 are known to be pathogenic (PMID: 10679937, 11391482, 19810120). This variant has not been reported in the literature in individuals with EXT1-related disease. ClinVar contains an entry for this variant (Variation ID: 423050). This variant is not present in population databases (ExAC no frequency). This sequence change creates a premature translational stop signal (p.His285Glnfs*4) in the EXT1 gene. It is expected to result in an absent or disrupted protein product.

GeneDx
Classification: Pathogenic. Last evaluated: 2017-01-05. Review status: criteria provided, single submitter. Criteria: GeneDx Variant Classification (06012015). Collection method: clinical testing. Allele origin: germline. Affected: yes.
Comment: The c.854dupA pathogenic variant in the EXT1 gene causes a frameshift starting with codon Histidine 285, changes this amino acid to a Glutamine residue and creates a premature Stop codon at position 4 of the new reading frame, denoted p.His285GlnfsX4. This pathogenic variant is predicted to cause loss of normal protein function either through protein truncation or nonsense-mediated mRNA decay. The variant was not observed in approximately 6,500 individuals of European and African American ancestry in the NHLBI Exome Sequencing Project, indicating it is not a common benign variant in these populations. Although this pathogenic variant has not been previously reported to our knowledge, its presence is consistent with the diagnosis of hereditary multiple exostoses.

Literature cited by the submitters: PubMed 10679937 (cited by Labcorp Genetics (formerly Invitae), Labcorp); PubMed 11391482 (cited by Labcorp Genetics (formerly Invitae), Labcorp); PubMed 19810120 (cited by Labcorp Genetics (formerly Invitae), Labcorp).